The following is an entry in ClinVar:

ClinVar aggregate classification (germline): Uncertain significance (0 of 4 stars; one submission).

Conditions:
EGR2-related disorder. Also called: EGR2-related condition.

Allele frequency attached by ClinVar (database versions not stated): ExAC 0.00001.

Submission:

PreventionGenetics, part of Exact Sciences
Classification: Uncertain significance for EGR2-related condition. Last evaluated: 2024-01-31. Review status: no assertion criteria provided. Collection method: clinical testing. Allele origin: germline.
Comment: The EGR2 c.824G>T variant is predicted to result in the amino acid substitution p.Gly275Val. To our knowledge, this variant has not been reported in the literature. This variant is reported in 0.00090% of alleles in individuals of European (Non-Finnish) descent in gnomAD. At this time, the clinical significance of this variant is uncertain due to the absence of conclusive functional and genetic evidence.

NM_000399.5(EGR2):c.824G>T (p.Gly275Val)

Gene: EGR2 (early growth response 2; minus strand). Cytogenetic location: 10q21.3.
Variant type: single nucleotide variant.
Coding change: c.824G>T on transcript NM_000399.5 (MANE Select); coding-DNA position 824, G replaced by T.
Protein change: p.Gly275Val; replaces glycine 275 with valine.
Molecular consequence: missense variant.
Genome position (GRCh38, 1-based): chr10:62,813,814, C>A on the plus strand (G>T on the coding strand, the complement: EGR2 is on the minus strand). VCF-style: chr10-62813814-C-A. GRCh37 (hg19) VCF-style: chr10-64573574-C-A.
Other names: c.824G>T, p.Gly275Val (NM_001136177.3, NM_001136178.2); c.674G>T, p.Gly225Val (NM_001136179.3, NM_001321037.2); c.863G>T, p.Gly288Val (NM_001410931.1); short protein forms G225V, G275V, G288V.
Identifiers: ClinVar variation 3029749 (VCV003029749.2), dbSNP rs759339694, ClinGen allele CA5517220.